The following is an entry in ClinVar:

ClinVar aggregate classification (germline): Uncertain significance. Review status: criteria provided, multiple submitters, no conflicts (2 of 4 stars). 2 submissions from 2 submitters: Uncertain significance (2). Last evaluated 2026-03-11.

Allele frequency attached by ClinVar (database versions not stated): gnomAD 0.00001.
gnomAD v4.1: 6 of 1,609,416 alleles (0.00037%); highest among the groups gnomAD compares: Admixed American, 0.0017%; no homozygotes.

Submissions (2):

Women's Health and Genetics/Laboratory Corporation of America, LabCorp
Classification: Uncertain significance. Last evaluated: 2026-03-11. Review status: criteria provided, single submitter. Criteria: LabCorp Variant Classification Summary - May 2015. Collection method: clinical testing. Allele origin: germline.
Comment: Variant summary: NLRP1 c.22C>T (p.Arg8Cys) results in a non-conservative amino acid change in the encoded protein sequence. Algorithms developed to predict the effect of missense changes on protein structure and function are either unavailable or do not agree on the potential impact of this missense change. The frequency data for this variant in gnomAD is considered unreliable, as metrics indicate poor data quality at this position. To our knowledge, no occurrence of c.22C>T in individuals affected with NLRP1-related conditions and no experimental evidence demonstrating its impact on protein function have been reported. ClinVar contains an entry for this variant (Variation ID: 2793661). Based on the evidence outlined above, the variant was classified as uncertain significance.

Labcorp Genetics (formerly Invitae), Labcorp
Classification: Uncertain significance. Last evaluated: 2022-12-10. Review status: criteria provided, single submitter. Criteria: Invitae Variant Classification Sherloc (09022015). Collection method: clinical testing. Allele origin: germline.
Comment: In summary, the available evidence is currently insufficient to determine the role of this variant in disease. Therefore, it has been classified as a Variant of Uncertain Significance. Algorithms developed to predict the effect of missense changes on protein structure and function are either unavailable or do not agree on the potential impact of this missense change (SIFT: "Deleterious"; PolyPhen-2: "Probably Damaging"; Align-GVGD: "Class C0"). This variant has not been reported in the literature in individuals affected with NLRP1-related conditions. This variant is not present in population databases (gnomAD no frequency). This sequence change replaces arginine, which is basic and polar, with cysteine, which is neutral and slightly polar, at codon 8 of the NLRP1 protein (p.Arg8Cys).

NM_033004.4(NLRP1):c.22C>T (p.Arg8Cys)

Genes: NLRP1 (NLR family pyrin domain containing 1; minus strand), LOC126862475 (CDK7 strongly-dependent group 2 enhancer GRCh37_chr17:5487167-5488366; plus strand). Cytogenetic location: 17p13.2.
Variant type: single nucleotide variant.
Coding change: c.22C>T on transcript NM_033004.4 (MANE Select); coding-DNA position 22, C replaced by T.
Protein change: p.Arg8Cys; replaces arginine 8 with cysteine.
Molecular consequence: missense variant.
Genome position (GRCh38, 1-based): chr17:5,583,936, G>A on the plus strand (C>T on the coding strand, the complement: NLRP1 is on the minus strand). VCF-style: chr17-5583936-G-A. GRCh37 (hg19) VCF-style: chr17-5487256-G-A.
Other names: c.22C>T, p.Arg8Cys (NM_033006.4, NM_033007.4, NM_001033053.3 and 1 more transcripts); short protein forms R8C.
Identifiers: ClinVar variation 2793661 (VCV002793661.4), dbSNP rs771011373, ClinGen allele CA287293763.